The following is an entry in ClinVar:

NM_032999.4(GTF2I):c.184G>A (p.Gly62Arg)

Genes: GTF2I (general transcription factor IIi; plus strand), GTF2I-AS1 (GTF2I antisense RNA 1; minus strand). Cytogenetic location: 7q11.23.
Variant type: single nucleotide variant.
Coding change: c.184G>A on transcript NM_032999.4 (MANE Select); coding-DNA position 184, G replaced by A.
Protein change: p.Gly62Arg; replaces glycine 62 with arginine.
Molecular consequence: missense variant.
Genome position (GRCh38, 1-based): chr7:74,691,057, G>A. VCF-style: chr7-74691057-G-A. GRCh37 (hg19) VCF-style: chr7-74105389-G-A.
Other names: c.184G>A, p.Gly62Arg (NM_001163636.3, NM_001280800.2, NM_001518.5 and 2 more transcripts); short protein forms G62R.
Identifiers: ClinVar variation 4527034 (VCV004527034.1).

ClinVar aggregate classification (germline): Uncertain significance (1 of 4 stars; one submission).

Submission:

GeneDx
Classification: Uncertain significance. Last evaluated: 2024-06-04. Review status: criteria provided, single submitter. Criteria: GeneDx Variant Classification Process June 2021. Collection method: clinical testing. Allele origin: germline. Affected: yes.
Comment: In silico analysis supports that this missense variant has a deleterious effect on protein structure/function; Not observed at significant frequency in large population cohorts (gnomAD); Has not been previously published as pathogenic or benign to our knowledge; Variants in candidate genes are classified as variants of uncertain significance in accordance with ACMG guidelines (PMID: 25741868)